The following is an entry in ClinVar:

NM_007194.4(CHEK2):c.1169_1172del (p.Tyr390fs)

Gene: CHEK2 (checkpoint kinase 2; minus strand). Cytogenetic location: 22q12.1.
Variant type: Deletion.
Coding change: c.1169_1172del on transcript NM_007194.4 (MANE Select); coding-DNA positions 1169 to 1172, 4 bases deleted (ACTT; older notation c.1169_1172delACTT).
Protein change: p.Tyr390fs; shifts the reading frame from tyrosine 390.
Molecular consequence: frameshift variant.
Genome position (GRCh38, 1-based): chr22:28,695,797-28,695,800, AAGT deleted on the plus strand (ACTT on the coding strand, the reverse complement: CHEK2 is on the minus strand); deleting any 4 consecutive bases within chr22:28,695,797-28,695,801 gives the same sequence; the c. name uses the placement nearest the transcript's 3' end. VCF-style (leftmost placement, unchanged base first): chr22-28695796-CAAGT-C. GRCh37 (hg19) VCF-style: chr22-29091784-CAAGT-C.
Other names: c.1297_1300delTACT, p.Tyr433Trpfs (NM_001005735.3); c.505_508delTACT, p.Tyr169Trpfs (NM_001257387.3); c.967_970delTACT, p.Tyr323Trpfs (NM_001349956.3); c.1081_1084delTACT, p.Tyr361Trpfs (NM_145862.3); short protein forms Y169fs, Y323fs, Y390fs, Y433fs, Y361fs.
Identifiers: ClinVar variation 4002278 (VCV004002278.1).

ClinVar aggregate classification (germline): Pathogenic (1 of 4 stars; one submission).

Conditions:
Hereditary cancer-predisposing syndrome. Also called: Tumor predisposition; Hereditary neoplastic syndrome; Neoplastic Syndromes, Hereditary; Hereditary Cancer Syndrome. Identifiers: Orphanet 140162, MedGen C0027672, MeSH D009386, MONDO:0015356.

Submission:

Ambry Genetics
Classification: Pathogenic for Hereditary cancer-predisposing syndrome. Last evaluated: 2025-06-11. Review status: criteria provided, single submitter. Criteria: Ambry Variant Classification Scheme 2023. Collection method: clinical testing. Allele origin: germline.
Comment: The c.1169_1172delACTT variant, located in coding exon 10 of the CHEK2 gene, results from a deletion of 4 nucleotides at nucleotide positions 1169 to 1172, causing a translational frameshift with a predicted alternate stop codon (p.Y390Wfs*23). This variant is considered to be rare based on population cohorts in the Genome Aggregation Database (gnomAD). This alteration is expected to result in loss of function by premature protein truncation or nonsense-mediated mRNA decay. As such, this alteration is interpreted as a disease-causing mutation.